The following is an entry in ClinVar:

ClinVar aggregate classification (germline): Likely benign (1 of 4 stars; one submission).

Conditions:
CDKL5-related disorder.

Submission:

PreventionGenetics, part of Exact Sciences
Classification: Likely benign for CDKL5-related condition. Last evaluated: 2025-12-11. Review status: criteria provided, single submitter. Criteria: ACMG Guidelines, 2015. Collection method: clinical testing. Allele origin: germline.
Comment: This variant is classified as likely benign based on ACMG/AMP sequence variant interpretation guidelines (Richards et al. 2015 PMID: 25741868, with internal and published modifications).

NM_001323289.2(CDKL5):c.-238C>A

Gene: CDKL5 (cyclin dependent kinase like 5; plus strand). Cytogenetic location: Xp22.13.
Variant type: single nucleotide variant.
Coding change: c.-238C>A on transcript NM_001323289.2 (MANE Select); 238 bases upstream of the start codon, C replaced by A.
Molecular consequence: 5 prime UTR variant.
Genome position (GRCh38, 1-based): chrX:18,425,620, C>A. VCF-style: chrX-18425620-C-A. GRCh37 (hg19) VCF-style: chrX-18443740-C-A.
Other names: c.-238C>A (NM_003159.3).
Identifiers: ClinVar variation 4984309 (VCV004984309.1).